The following is an entry in ClinVar:

ClinVar aggregate classification (germline): Uncertain significance (1 of 4 stars; one submission).

Conditions:
Rhabdoid tumor predisposition syndrome 2 (RTPS2). Identifiers: Orphanet 231108, Orphanet 69077, MedGen C2750074, MONDO:0013224, OMIM 613325.

Submission:

Labcorp Genetics (formerly Invitae), Labcorp
Classification: Uncertain significance for Rhabdoid tumor predisposition syndrome 2. Last evaluated: 2022-10-03. Review status: criteria provided, single submitter. Criteria: Invitae Variant Classification Sherloc (09022015). Collection method: clinical testing. Allele origin: germline.
Comment: In summary, the available evidence is currently insufficient to determine the role of this variant in disease. Therefore, it has been classified as a Variant of Uncertain Significance. Algorithms developed to predict the effect of sequence changes on RNA splicing suggest that this variant may create or strengthen a splice site. This variant has not been reported in the literature in individuals affected with SMARCA4-related conditions. This variant is not present in population databases (gnomAD no frequency). This sequence change falls in intron 17 of the SMARCA4 gene. It does not directly change the encoded amino acid sequence of the SMARCA4 protein.

NM_003072.5(SMARCA4):c.2506-6T>G

Gene: SMARCA4 (SWI/SNF related BAF chromatin remodeling complex subunit ATPase 4; plus strand). Cytogenetic location: 19p13.2.
Variant type: single nucleotide variant.
Coding change: c.2506-6T>G on transcript NM_003072.5 (MANE Select); 6 bases into the intron before coding-DNA position 2506, T replaced by G.
Molecular consequence: intron variant.
Genome position (GRCh38, 1-based): chr19:11,019,585, T>G. VCF-style: chr19-11019585-T-G. GRCh37 (hg19) VCF-style: chr19-11130261-T-G.
Other names: c.2506-6T>G (NM_001128844.3, NM_001128849.3, NM_001128847.4 and 5 more transcripts).
Identifiers: ClinVar variation 1966564 (VCV001966564.5), dbSNP rs2146372543, ClinGen allele CA2580096220.